The following is an entry in ClinVar:

NM_018557.3(LRP1B):c.6519A>G (p.Gly2173=)

Gene: LRP1B (LDL receptor related protein 1B; minus strand). Cytogenetic location: 2q22.1.
Variant type: single nucleotide variant.
Coding change: c.6519A>G on transcript NM_018557.3 (MANE Select); coding-DNA position 6519, A replaced by G.
Protein change: p.Gly2173=; no amino-acid change (glycine 2173 retained).
Molecular consequence: synonymous variant.
Genome position (GRCh38, 1-based): chr2:140,700,530, T>C on the plus strand (A>G on the coding strand, the complement: LRP1B is on the minus strand). VCF-style: chr2-140700530-T-C. GRCh37 (hg19) VCF-style: chr2-141458099-T-C.
Identifiers: ClinVar variation 3055032 (VCV003055032.2), dbSNP rs200509218, ClinGen allele CA1894554.

ClinVar aggregate classification (germline): Likely benign (0 of 4 stars; one submission).

Conditions:
LRP1B-related disorder. Also called: LRP1B-related condition.

Allele frequency attached by ClinVar (database versions not stated): gnomAD exomes 0.00004; TOPMed 0.00005; gnomAD 0.00006; ESP Exome Variant Server 0.00008; ExAC 0.00011; 1000 Genomes Project 0.00020; 1000 Genomes Project 30x 0.00031.
gnomAD v4.1: 73 of 1,613,508 alleles (0.0045%); highest among the groups gnomAD compares: South Asian, 0.0044%; no homozygotes.

Submission:

PreventionGenetics, part of Exact Sciences
Classification: Likely benign for LRP1B-related condition. Last evaluated: 2024-01-29. Review status: no assertion criteria provided. Collection method: clinical testing. Allele origin: germline.
Comment: This variant is classified as likely benign based on ACMG/AMP sequence variant interpretation guidelines (Richards et al. 2015 PMID: 25741868, with internal and published modifications).